The following is an entry in ClinVar:

ClinVar aggregate classification (germline): Uncertain significance (1 of 4 stars; one submission).

Conditions:
Chédiak-Higashi syndrome (CHS). Also called: Chediak-Higashi Syndrome. Identifiers: Orphanet 167, MedGen C0007965, MONDO:0008963, OMIM 214500.

Allele frequency attached by ClinVar (database versions not stated): gnomAD exomes below 0.00001; ExAC 0.00001.

Submission:

Labcorp Genetics (formerly Invitae), Labcorp
Classification: Uncertain significance for Chédiak-Higashi syndrome. Last evaluated: 2025-05-05. Review status: criteria provided, single submitter. Criteria: Invitae Variant Classification Sherloc (09022015). Collection method: clinical testing. Allele origin: germline.
Comment: This sequence change replaces methionine, which is neutral and non-polar, with isoleucine, which is neutral and non-polar, at codon 1766 of the LYST protein (p.Met1766Ile). This variant is present in population databases (rs748398280, gnomAD 0.003%). This variant has not been reported in the literature in individuals affected with LYST-related conditions. ClinVar contains an entry for this variant (Variation ID: 1981343). Invitae Evidence Modeling of protein sequence and biophysical properties (such as structural, functional, and spatial information, amino acid conservation, physicochemical variation, residue mobility, and thermodynamic stability) indicates that this missense variant is not expected to disrupt LYST protein function with a negative predictive value of 80%. In summary, the available evidence is currently insufficient to determine the role of this variant in disease. Therefore, it has been classified as a Variant of Uncertain Significance.

NM_000081.4(LYST):c.5298G>A (p.Met1766Ile)

Gene: LYST (lysosomal trafficking regulator; minus strand). Cytogenetic location: 1q42.3.
Variant type: single nucleotide variant.
Coding change: c.5298G>A on transcript NM_000081.4 (MANE Select); coding-DNA position 5298, G replaced by A.
Protein change: p.Met1766Ile; replaces methionine 1766 with isoleucine.
Molecular consequence: missense variant.
Genome position (GRCh38, 1-based): chr1:235,777,225, C>T on the plus strand (G>A on the coding strand, the complement: LYST is on the minus strand). VCF-style: chr1-235777225-C-T. GRCh37 (hg19) VCF-style: chr1-235940525-C-T.
Other names: c.5298G>A, p.Met1766Ile (NM_001301365.1); short protein forms M1766I.
Identifiers: ClinVar variation 1981343 (VCV001981343.2), dbSNP rs748398280, ClinGen allele CA1466653.